The following is an entry in ClinVar:

NM_003737.4(DCHS1):c.6170G>C (p.Gly2057Ala)

Gene: DCHS1 (dachsous cadherin-related 1; minus strand). Cytogenetic location: 11p15.4.
Variant type: single nucleotide variant.
Coding change: c.6170G>C on transcript NM_003737.4 (MANE Select); coding-DNA position 6170, G replaced by C.
Protein change: p.Gly2057Ala; replaces glycine 2057 with alanine.
Molecular consequence: missense variant.
Genome position (GRCh38, 1-based): chr11:6,626,869, C>G on the plus strand (G>C on the coding strand, the complement: DCHS1 is on the minus strand). VCF-style: chr11-6626869-C-G. GRCh37 (hg19) VCF-style: chr11-6648100-C-G.
Other names: short protein forms G2057A.
Identifiers: ClinVar variation 2797322 (VCV002797322.3), dbSNP rs1267441582, ClinGen allele CA379388953.

ClinVar aggregate classification (germline): Uncertain significance (1 of 4 stars; one submission).

Allele frequency attached by ClinVar (database versions not stated): TOPMed below 0.00001.

Submission:

Labcorp Genetics (formerly Invitae), Labcorp
Classification: Uncertain significance. Last evaluated: 2023-08-16. Review status: criteria provided, single submitter. Criteria: Invitae Variant Classification Sherloc (09022015). Collection method: clinical testing. Allele origin: germline.
Comment: This sequence change replaces glycine, which is neutral and non-polar, with alanine, which is neutral and non-polar, at codon 2057 of the DCHS1 protein (p.Gly2057Ala). In summary, the available evidence is currently insufficient to determine the role of this variant in disease. Therefore, it has been classified as a Variant of Uncertain Significance. Advanced modeling of protein sequence and biophysical properties (such as structural, functional, and spatial information, amino acid conservation, physicochemical variation, residue mobility, and thermodynamic stability) performed at Invitae indicates that this missense variant is not expected to disrupt DCHS1 protein function. This variant has not been reported in the literature in individuals affected with DCHS1-related conditions. This variant is not present in population databases (gnomAD no frequency).